The following is an entry in ClinVar:

NM_007118.4(TRIO):c.3839A>G (p.His1280Arg)

Gene: TRIO (trio Rho guanine nucleotide exchange factor; plus strand). Cytogenetic location: 5p15.2.
Variant type: single nucleotide variant.
Coding change: c.3839A>G on transcript NM_007118.4 (MANE Select); coding-DNA position 3839, A replaced by G.
Protein change: p.His1280Arg; replaces histidine 1280 with arginine.
Molecular consequence: missense variant. On other transcripts: non-coding transcript variant (1).
Genome position (GRCh38, 1-based): chr5:14,387,805, A>G. VCF-style: chr5-14387805-A-G. GRCh37 (hg19) VCF-style: chr5-14387914-A-G.
Other names: short protein forms H1280R.
Identifiers: ClinVar variation 3373739 (VCV003373739.1).

ClinVar aggregate classification (germline): Uncertain significance (1 of 4 stars; one submission).

gnomAD v4.1: 11 of 1,614,232 alleles (0.00068%); highest among the groups gnomAD compares: Non-Finnish European, 0.00093%; no homozygotes.

Submission:

GeneDx
Classification: Uncertain significance. Last evaluated: 2024-03-06. Review status: criteria provided, single submitter. Criteria: GeneDx Variant Classification Process June 2021. Collection method: clinical testing. Allele origin: germline. Affected: yes.
Comment: In silico analysis supports that this missense variant has a deleterious effect on protein structure/function; Has not been previously published as pathogenic or benign to our knowledge